The following is an entry in ClinVar:

NM_001244926.2(PRPF4):c.627G>C (p.Gln209His)

Gene: PRPF4 (pre-mRNA splicing tri-snRNP complex factor PRPF4; plus strand). Cytogenetic location: 9q32.
Variant type: single nucleotide variant.
Coding change: c.627G>C on transcript NM_001244926.2 (MANE Select); coding-DNA position 627, G replaced by C.
Protein change: p.Gln209His; replaces glutamine 209 with histidine.
Molecular consequence: missense variant. On other transcripts: 5 prime UTR variant (2), non-coding transcript variant (2).
Genome position (GRCh38, 1-based): chr9:113,283,455, G>C. VCF-style: chr9-113283455-G-C. GRCh37 (hg19) VCF-style: chr9-116045735-G-C.
Other names: c.-139G>C (NM_001322266.2, NM_001322267.2); c.630G>C, p.Gln210His (NM_004697.5); short protein forms Q209H, Q210H.
Identifiers: ClinVar variation 2005490 (VCV002005490.4), dbSNP rs2490811953, ClinGen allele CA374553240.

ClinVar aggregate classification (germline): Uncertain significance (1 of 4 stars; one submission).

Submission:

Labcorp Genetics (formerly Invitae), Labcorp
Classification: Uncertain significance. Last evaluated: 2025-07-31. Review status: criteria provided, single submitter. Criteria: Invitae Variant Classification Sherloc (09022015). Collection method: clinical testing. Allele origin: germline.
Comment: This sequence change replaces glutamine, which is neutral and polar, with histidine, which is basic and polar, at codon 210 of the PRPF4 protein (p.Gln210His). This variant is not present in population databases (gnomAD no frequency). This variant has not been reported in the literature in individuals affected with PRPF4-related conditions. ClinVar contains an entry for this variant (Variation ID: 2005490). An algorithm developed to predict the effect of missense changes on protein structure and function (PolyPhen-2) suggests that this variant is likely to be tolerated. In summary, the available evidence is currently insufficient to determine the role of this variant in disease. Therefore, it has been classified as a Variant of Uncertain Significance.